The following is an entry in ClinVar:

ClinVar aggregate classification (germline): Uncertain significance. Review status: criteria provided, multiple submitters, no conflicts (2 of 4 stars). 3 submissions from 3 submitters: Uncertain significance (2). 1 of the submissions does not count toward it. Last evaluated 2025-05-27.

Conditions:
Becker muscular dystrophy, Cardiomyopathy, Duchenne muscular dystrophy, Dystrophin deficiency.
Duchenne muscular dystrophy (DMD). Also called: MUSCULAR DYSTROPHY, PSEUDOHYPERTROPHIC PROGRESSIVE, DUCHENNE TYPE; Duchenne Muscular Dystrophy (DMD). Identifiers: Orphanet 98896, MedGen C0013264, MONDO:0010679, OMIM 310200.

Allele frequency attached by ClinVar (database versions not stated): gnomAD exomes below 0.00001; ExAC 0.00001; TOPMed 0.00002.
gnomAD v4.1: 2 of 1,211,304 alleles (0.00017%); highest among the groups gnomAD compares: Non-Finnish European, 0.00011%; no homozygotes.

Submissions (3):

Labcorp Genetics (formerly Invitae), Labcorp
Classification: Uncertain significance for Duchenne muscular dystrophy. Last evaluated: 2025-05-27. Review status: criteria provided, single submitter. Criteria: Invitae Variant Classification Sherloc (09022015). Collection method: clinical testing. Allele origin: germline.
Comment: This sequence change replaces glutamic acid, which is acidic and polar, with lysine, which is basic and polar, at codon 1918 of the DMD protein (p.Glu1918Lys). The frequency data for this variant in the population databases is considered unreliable, as metrics indicate poor data quality at this position in the gnomAD database. This variant has not been reported in the literature in individuals affected with DMD-related conditions. ClinVar contains an entry for this variant (Variation ID: 1989868). Invitae Evidence Modeling of protein sequence and biophysical properties (such as structural, functional, and spatial information, amino acid conservation, physicochemical variation, residue mobility, and thermodynamic stability) indicates that this missense variant is not expected to disrupt DMD protein function with a negative predictive value of 95%. In summary, the available evidence is currently insufficient to determine the role of this variant in disease. Therefore, it has been classified as a Variant of Uncertain Significance.

Mayo Clinic Laboratories, Mayo Clinic
Classification: Uncertain significance. Last evaluated: 2024-12-31. Review status: criteria provided, single submitter. Criteria: ACMG Guidelines, 2015. Collection method: clinical testing. Allele origin: germline. Observed: 1 variant allele.
Comment: BP4

Natera, Inc.
Classification: Uncertain significance for Becker muscular dystrophy, Cardiomyopathy, Duchenne muscular dystrophy, Dystrophin deficiency. Last evaluated: 2025-04-02. Review status: no assertion criteria provided. Collection method: clinical testing. Allele origin: germline. Not counted in ClinVar's aggregate classification.

NM_004006.3(DMD):c.5752G>A (p.Glu1918Lys)

Gene: DMD (dystrophin; minus strand). Cytogenetic location: Xp21.1.
Variant type: single nucleotide variant.
Coding change: c.5752G>A on transcript NM_004006.3 (MANE Select); coding-DNA position 5752, G replaced by A.
Protein change: p.Glu1918Lys; replaces glutamic acid 1918 with lysine.
Molecular consequence: missense variant.
Genome position (GRCh38, 1-based): chrX:32,342,270, C>T on the plus strand (G>A on the coding strand, the complement: DMD is on the minus strand). VCF-style: chrX-32342270-C-T. GRCh37 (hg19) VCF-style: chrX-32360387-C-T.
Other names: p.Glu1918Lys; c.5728G>A, p.Glu1910Lys (NM_000109.4); c.5740G>A, p.Glu1914Lys (NM_004009.3); c.5383G>A, p.Glu1795Lys (NM_004010.3); c.1729G>A, p.Glu577Lys (NM_004011.4); c.1720G>A, p.Glu574Lys (NM_004012.4); short protein forms E1795K, E1914K, E1918K, E577K, E574K, E1910K.
Identifiers: ClinVar variation 1989868 (VCV001989868.6), dbSNP rs199560875, ClinGen allele CA10378593.
Genomic context (GRCh38, chrX:32,342,270, plus strand): 5'-CAGACAAGCCCTCAGCTTGCCTACGCACTGCATTCAGCTCCTCTTTCTTCTTCTGCAATT[C>T]CCGATCAATTTCCTATTGAGCAAAACCAATACAGGGCCCAGGGCAGTTAGCTAACCACAT-3'
Protein context (NP_003997.2, residues 1908-1928): DERKIKEIDR[Glu1918Lys]LQKKKEELNA